The following is an entry in ClinVar:

NM_001848.3(COL6A1):c.2365G>C (p.Val789Leu)

Gene: COL6A1 (collagen type VI alpha 1 chain; plus strand). Cytogenetic location: 21q22.3.
Variant type: single nucleotide variant.
Coding change: c.2365G>C on transcript NM_001848.3 (MANE Select); coding-DNA position 2365, G replaced by C.
Protein change: p.Val789Leu; replaces valine 789 with leucine.
Molecular consequence: missense variant.
Genome position (GRCh38, 1-based): chr21:46,002,641, G>C. VCF-style: chr21-46002641-G-C. GRCh37 (hg19) VCF-style: chr21-47422555-G-C.
Other names: short protein forms V789L.
Identifiers: ClinVar variation 1308987 (VCV001308987.2), dbSNP rs2077853945, ClinGen allele CA410536725.

ClinVar aggregate classification (germline): Uncertain significance (1 of 4 stars; one submission).

Allele frequency attached by ClinVar (database versions not stated): TOPMed below 0.00001.

Submission:

GeneDx
Classification: Uncertain significance. Last evaluated: 2019-10-11. Review status: criteria provided, single submitter. Criteria: GeneDx Variant Classification Process June 2021. Collection method: clinical testing. Allele origin: germline. Affected: yes.
Comment: Not observed in large population cohorts (Lek et al., 2016); In silico analysis, which includes protein predictors and evolutionary conservation, supports that this variant does not alter protein structure/function; Has not been previously published as pathogenic or benign to our knowledge